The following is an entry in ClinVar:

ClinVar aggregate classification (germline): Uncertain significance (1 of 4 stars; one submission).

Conditions:
Mucopolysaccharidosis type 6 (MPS6). Also called: ARSB DEFICIENCY; ARYLSULFATASE B DEFICIENCY; N-ACETYLGALACTOSAMINE-4-SULFATASE DEFICIENCY; MPS 6; Maroteaux Lamy syndrome; MPS VI. Identifiers: Orphanet 583, MedGen C0026709, MONDO:0009661, OMIM 253200.

Allele frequency attached by ClinVar (database versions not stated): gnomAD exomes below 0.00001; ExAC 0.00001.
gnomAD v4.1: 4 of 1,614,102 alleles (0.00025%); highest among the groups gnomAD compares: Non-Finnish European, 0.00034%; no homozygotes.

Submission:

Labcorp Genetics (formerly Invitae), Labcorp
Classification: Uncertain significance for Mucopolysaccharidosis type 6. Last evaluated: 2024-03-16. Review status: criteria provided, single submitter. Criteria: Invitae Variant Classification Sherloc (09022015). Collection method: clinical testing. Allele origin: germline.
Comment: This sequence change replaces leucine, which is neutral and non-polar, with histidine, which is basic and polar, at codon 238 of the ARSB protein (p.Leu238His). This variant is present in population databases (rs750459307, gnomAD 0.002%). This variant has not been reported in the literature in individuals affected with ARSB-related conditions. Advanced modeling of protein sequence and biophysical properties (such as structural, functional, and spatial information, amino acid conservation, physicochemical variation, residue mobility, and thermodynamic stability) has been performed at Invitae for this missense variant, however the output from this modeling did not meet the statistical confidence thresholds required to predict the impact of this variant on ARSB protein function. In summary, the available evidence is currently insufficient to determine the role of this variant in disease. Therefore, it has been classified as a Variant of Uncertain Significance.

NM_000046.5(ARSB):c.713T>A (p.Leu238His)

Gene: ARSB (arylsulfatase B; minus strand). Cytogenetic location: 5q14.1.
Variant type: single nucleotide variant.
Coding change: c.713T>A on transcript NM_000046.5 (MANE Select); coding-DNA position 713, T replaced by A.
Protein change: p.Leu238His; replaces leucine 238 with histidine.
Molecular consequence: missense variant.
Genome position (GRCh38, 1-based): chr5:78,955,480, A>T on the plus strand (T>A on the coding strand, the complement: ARSB is on the minus strand). VCF-style: chr5-78955480-A-T. GRCh37 (hg19) VCF-style: chr5-78251303-A-T.
Other names: c.713T>A, p.Leu238His (NM_198709.3); short protein forms L238H.
Identifiers: ClinVar variation 2729918 (VCV002729918.3), dbSNP rs750459307, ClinGen allele CA3318191.